The following is an entry in ClinVar:

NM_016194.4(GNB5):c.207G>A (p.Glu69=)

Genes: GNB5 (G protein subunit beta 5; minus strand), LOC130057083 (ATAC-STARR-seq lymphoblastoid silent region 6445; plus strand). Cytogenetic location: 15q21.2.
Variant type: single nucleotide variant.
Coding change: c.207G>A on transcript NM_016194.4 (MANE Select); coding-DNA position 207, G replaced by A.
Protein change: p.Glu69=; no amino-acid change (glutamic acid 69 retained).
Molecular consequence: synonymous variant.
Genome position (GRCh38, 1-based): chr15:52,179,799, C>T on the plus strand (G>A on the coding strand, the complement: GNB5 is on the minus strand). VCF-style: chr15-52179799-C-T. GRCh37 (hg19) VCF-style: chr15-52471996-C-T.
Other names: c.81G>A, p.Glu27= (NM_006578.4).
Identifiers: ClinVar variation 4823097 (VCV004823097.4).
Genomic context (GRCh38, chr15:52,179,799, plus strand): 5'-GCCCCGCCCGCCTCCCGGCCCGCACTCACGCTCCACATCGTGCAGCTTGGCTCGCTCCTC[C>T]TCCAGCTTGCCCTTGAGGCTCTCGGCCTCGCTCTTCAGCGACGCCAGCGTCTCGTTCTCG-3'
Protein context (NP_057278.2, residues 59-79): SEAESLKGKL[Glu69=]EERAKLHDVE

ClinVar aggregate classification (germline): Likely benign (1 of 4 stars; one submission).

Submission:

CeGaT Center for Human Genetics Tuebingen
Classification: Likely benign. Last evaluated: 2026-01-01. Review status: criteria provided, single submitter. Criteria: CeGaT Center For Human Genetics Tuebingen Variant Classification Criteria Version 2. Collection method: clinical testing. Allele origin: germline. Affected: yes. Observed: 1 variant allele.
Comment: GNB5: BP4, BP7